The following is an entry in ClinVar:

ClinVar aggregate classification (germline): Likely pathogenic (1 of 4 stars; one submission).

Conditions:
Hereditary cancer-predisposing syndrome. Also called: Neoplastic Syndromes, Hereditary; Tumor predisposition; Hereditary Cancer Syndrome; Hereditary neoplastic syndrome. Identifiers: Orphanet 140162, MedGen C0027672, MeSH D009386, MONDO:0015356.

Submission:

Color Diagnostics, LLC DBA Color Health
Classification: Likely pathogenic for Hereditary cancer-predisposing syndrome. Last evaluated: 2022-03-16. Review status: criteria provided, single submitter. Criteria: ACMG Guidelines, 2015. Collection method: clinical testing. Allele origin: germline.
Comment: This variant causes a 2 nucleotide deletion at the +1 position in intron 7 of the PALB2 gene. Splice site prediction tools predict that this variant may have a significant impact on RNA splicing. Although this prediction has not been confirmed in published RNA studies, this variant is expected to result in an absent or disrupted protein product. This variant has not been reported in individuals affected with hereditary cancer in the literature. This variant has not been identified in the general population by the Genome Aggregation Database (gnomAD). Loss of PALB2 function is a known mechanism of disease. Based on the available evidence, this variant is classified as Likely Pathogenic.

NM_024675.4(PALB2):c.2748+1_2748+2del

Gene: PALB2 (partner and localizer of BRCA2; minus strand). Cytogenetic location: 16p12.2.
Variant type: Deletion.
Coding change: c.2748+1_2748+2del on transcript NM_024675.4 (MANE Select); the canonical splice donor site of the intron after coding-DNA position 2748, 2 bases deleted (GT; older notation c.2748+1_2748+2delGT).
Molecular consequence: splice donor variant.
Genome position (GRCh38, 1-based): chr16:23,626,234-23,626,235, AC deleted on the plus strand (GT on the coding strand, the reverse complement: PALB2 is on the minus strand). VCF-style (leftmost placement, unchanged base first): chr16-23626233-TAC-T. GRCh37 (hg19) VCF-style: chr16-23637554-TAC-T.
Identifiers: ClinVar variation 926385 (VCV000926385.4), dbSNP rs1966842247, ClinGen allele CA913188722.